The following is an entry in ClinVar:

ClinVar aggregate classification (germline): Uncertain significance (1 of 4 stars; one submission).

Conditions:
Combined immunodeficiency due to LRBA deficiency. Also called: Common variable immunodeficiency 8, with autoimmunity. Identifiers: Orphanet 445018, MedGen C3553512, MONDO:0013863, OMIM 614700.

gnomAD v4.1: 1 of 1,614,092 alleles (0.000062%); highest among the groups gnomAD compares: Non-Finnish European, 0.000085%; no homozygotes.

Submission:

Labcorp Genetics (formerly Invitae), Labcorp
Classification: Uncertain significance for Combined immunodeficiency due to LRBA deficiency. Last evaluated: 2022-09-19. Review status: criteria provided, single submitter. Criteria: Invitae Variant Classification Sherloc (09022015). Collection method: clinical testing. Allele origin: germline.
Comment: Algorithms developed to predict the effect of missense changes on protein structure and function output the following: SIFT: "Tolerated"; PolyPhen-2: "Benign"; Align-GVGD: "Class C0". The aspartic acid amino acid residue is found in multiple mammalian species, which suggests that this missense change does not adversely affect protein function. In summary, the available evidence is currently insufficient to determine the role of this variant in disease. Therefore, it has been classified as a Variant of Uncertain Significance. ClinVar contains an entry for this variant (Variation ID: 1397493). This variant has not been reported in the literature in individuals affected with LRBA-related conditions. This variant is not present in population databases (gnomAD no frequency). This sequence change replaces glutamic acid, which is acidic and polar, with aspartic acid, which is acidic and polar, at codon 1593 of the LRBA protein (p.Glu1593Asp).

NM_001364905.1(LRBA):c.4779A>C (p.Glu1593Asp)

Gene: LRBA (LPS responsive beige-like anchor protein; minus strand). Cytogenetic location: 4q31.3.
Variant type: single nucleotide variant.
Coding change: c.4779A>C on transcript NM_001364905.1 (MANE Select); coding-DNA position 4779, A replaced by C.
Protein change: p.Glu1593Asp; replaces glutamic acid 1593 with aspartic acid.
Molecular consequence: missense variant.
Genome position (GRCh38, 1-based): chr4:150,828,572, T>G on the plus strand (A>C on the coding strand, the complement: LRBA is on the minus strand). VCF-style: chr4-150828572-T-G. GRCh37 (hg19) VCF-style: chr4-151749724-T-G.
Other names: c.4779A>C, p.Glu1593Asp (NM_001199282.3, NM_001367550.1, NM_006726.5); short protein forms E1593D.
Identifiers: ClinVar variation 1397493 (VCV001397493.8), dbSNP rs1746633375, ClinGen allele CA358444842.